The following is an entry in ClinVar:

NM_032776.3(JMJD1C):c.2452G>A (p.Ala818Thr)

Gene: JMJD1C (jumonji domain containing 1C; minus strand). Cytogenetic location: 10q21.3.
Variant type: single nucleotide variant.
Coding change: c.2452G>A on transcript NM_032776.3 (MANE Select); coding-DNA position 2452, G replaced by A.
Protein change: p.Ala818Thr; replaces alanine 818 with threonine.
Molecular consequence: missense variant. On other transcripts: non-coding transcript variant (1).
Genome position (GRCh38, 1-based): chr10:63,213,715, C>T on the plus strand (G>A on the coding strand, the complement: JMJD1C is on the minus strand). VCF-style: chr10-63213715-C-T. GRCh37 (hg19) VCF-style: chr10-64973475-C-T.
Other names: c.1906G>A, p.Ala636Thr (NM_001282948.2, NM_001318154.2); c.1588G>A, p.Ala530Thr (NM_001318153.2); c.2338G>A, p.Ala780Thr (NM_001322252.2); c.1795G>A, p.Ala599Thr (NM_001322254.2, NM_001322258.2); short protein forms A530T, A599T, A636T, A818T, A780T.
Identifiers: ClinVar variation 2047612 (VCV002047612.4), dbSNP rs2492766268, ClinGen allele CA377045089.
Genomic context (GRCh38, chr10:63,213,715, plus strand): 5'-GTAACAACTGTTGTTGTTGCTGGTGTGCTAGCGCTAAGTGGCTCAAGCTGCTGGCATGAG[C>T]ACTCTCTAGTCGTGGGTGGCCACCAAGTAAGGAGGCAGTAGGCACTCCAGGTAACACAGT-3'
Protein context (NP_116165.1, residues 808-828): LLGGHPRLES[Ala818Thr]HASSLSHLAL

ClinVar aggregate classification (germline): Uncertain significance (1 of 4 stars; one submission).

Conditions:
Early Myoclonic Encephalopathy. Identifiers: MedGen C0270855.

Submission:

Labcorp Genetics (formerly Invitae), Labcorp
Classification: Uncertain significance for Early Myoclonic Encephalopathy. Last evaluated: 2022-09-06. Review status: criteria provided, single submitter. Criteria: Invitae Variant Classification Sherloc (09022015). Collection method: clinical testing. Allele origin: germline.
Comment: This variant has not been reported in the literature in individuals affected with JMJD1C-related conditions. This sequence change replaces alanine, which is neutral and non-polar, with threonine, which is neutral and polar, at codon 818 of the JMJD1C protein (p.Ala818Thr). This variant is not present in population databases (gnomAD no frequency). Algorithms developed to predict the effect of missense changes on protein structure and function are either unavailable or do not agree on the potential impact of this missense change (SIFT: "Deleterious"; PolyPhen-2: "Benign"; Align-GVGD: "Class C0"). In summary, the available evidence is currently insufficient to determine the role of this variant in disease. Therefore, it has been classified as a Variant of Uncertain Significance.